The following is an entry in ClinVar:

ClinVar aggregate classification (germline): Pathogenic. Review status: reviewed by expert panel (3 of 4 stars). 5 submissions from 5 submitters: Pathogenic (1). 4 of the submissions do not count toward it. Last evaluated 2016-09-08.

Conditions:
Hereditary cancer-predisposing syndrome. Also called: Tumor predisposition; Neoplastic Syndromes, Hereditary; Hereditary Cancer Syndrome; Hereditary neoplastic syndrome. Identifiers: Orphanet 140162, MedGen C0027672, MeSH D009386, MONDO:0015356.
Hereditary breast ovarian cancer syndrome. Also called: Hereditary breast and ovarian cancer syndrome (HBOC); Hereditary breast and ovarian cancer syndrome; Hereditary breast and ovarian cancer; Hereditary breast and/or ovarian cancer syndrome; Breast and ovarian cancer; BRCA1- and BRCA2-Associated Hereditary Breast and Ovarian Cancer. Identifiers: Orphanet 145, MedGen C0677776, MeSH D061325, MONDO:0003582. Disease mechanism: loss of function.
Breast-ovarian cancer, familial, susceptibility to, 1 (BROVCA1). Also called: OVARIAN CANCER, SUSCEPTIBILITY TO; BRCA1 Hereditary Breast and Ovarian Cancer. Identifiers: Orphanet 145, MedGen C2676676, MONDO:0011450, OMIM 604370. Disease mechanism: loss of function.

Submissions (5):

Evidence-based Network for the Interpretation of Germline Mutant Alleles (ENIGMA)
Classification: Pathogenic for Breast-ovarian cancer, familial, susceptibility to, 1. Last evaluated: 2016-09-08. Review status: reviewed by expert panel. Criteria: ENIGMA BRCA1/2 Classification Criteria (2015). Collection method: curation. Allele origin: germline.
Comment: Variant allele predicted to encode a truncated non-functional protein.

Color Diagnostics, LLC DBA Color Health
Classification: Pathogenic for Hereditary cancer-predisposing syndrome. Last evaluated: 2020-01-15. Review status: criteria provided, single submitter. Criteria: ACMG Guidelines, 2015. Collection method: clinical testing. Allele origin: germline. Not counted in ClinVar's aggregate classification.
Comment: This variant changes 1 nucleotide in exon 10 of the BRCA1 gene, creating a premature translation stop signal. This variant is expected to result in an absent or non-functional protein product. This variant has not been identified in the general population by the Genome Aggregation Database (gnomAD). Loss of BRCA1 function is a known mechanism of disease. Based on the available evidence, this variant is classified as Pathogenic.

Consortium of Investigators of Modifiers of BRCA1/2 (CIMBA), c/o University of Cambridge
Classification: Pathogenic for Breast-ovarian cancer, familial, susceptibility to, 1. Last evaluated: 2015-10-02. Review status: criteria provided, single submitter. Criteria: CIMBA Mutation Classification guidelines May 2016. Collection method: clinical testing. Allele origin: germline. Not counted in ClinVar's aggregate classification.

Research Molecular Genetics Laboratory, Women's College Hospital, University of Toronto
Classification: Pathogenic for Hereditary breast ovarian cancer syndrome. Last evaluated: 2014-01-31. Review status: no assertion criteria provided. Collection method: research. Allele origin: germline. Affected: yes. Study: The Canadian Open Genetics Repository (COGR). Not counted in ClinVar's aggregate classification.

Breast Cancer Information Core (BIC) (BRCA1)
Classification: Pathogenic for Breast-ovarian cancer, familial 1. Last evaluated: 2002-05-29. Review status: no assertion criteria provided. Collection method: clinical testing. Allele origin: germline. Affected: yes. Observed: 2 variant alleles. Not counted in ClinVar's aggregate classification.

NM_007294.4(BRCA1):c.1333G>T (p.Glu445Ter)

Gene: BRCA1 (BRCA1 DNA repair associated; minus strand). Cytogenetic location: 17q21.31.
Variant type: single nucleotide variant.
Coding change: c.1333G>T on transcript NM_007294.4 (MANE Select); coding-DNA position 1333, G replaced by T.
Protein change: p.Glu445Ter; replaces glutamic acid 445 with a stop codon.
Molecular consequence: nonsense. On other transcripts: intron variant (137).
Genome position (GRCh38, 1-based): chr17:43,094,198, C>A on the plus strand (G>T on the coding strand, the complement: BRCA1 is on the minus strand). VCF-style: chr17-43094198-C-A. GRCh37 (hg19) VCF-style: chr17-41246215-C-A.
Other names: c.787+546G>T (NM_001407990.1, NM_007299.4, NM_001407974.1 and 19 more transcripts); c.577+546G>T (NM_001408492.1, NM_001408513.1, NM_001408489.1 and 9 more transcripts); c.643+546G>T (NM_001408468.1, NM_001408465.1, NM_001408463.1 and 3 more transcripts); c.523+546G>T (NM_001408501.1, NM_001408500.1, NM_001408497.1 and 3 more transcripts); c.646+546G>T (NM_001408455.1, NM_001408466.1, NM_001408452.1 and 11 more transcripts); c.520+546G>T (NM_001408503.1, NM_001408505.1, NM_001408504.1); c.404-3166G>T (NM_001408511.1); c.460+1648G>T (NM_001408507.1, NM_001408506.1); and 40 more; short protein forms E445*, E398*, E317*, E356*, E378*, E397*, E403*, E444*.
Identifiers: ClinVar variation 54204 (VCV000054204.8), dbSNP rs80356915, ClinGen allele CA000870.